The following is an entry in ClinVar:

ClinVar aggregate classification (germline): Conflicting classifications of pathogenicity. Review status: criteria provided, conflicting classifications (1 of 4 stars). 6 submissions from 5 submitters: Uncertain significance (2); Likely benign (2). 2 of the submissions do not count toward it. Last evaluated 2025-05-27.

Conditions:
MKS1-related disorder. Also called: MKS1-related condition; MKS1-related disorders. Identifiers: MedGen CN239382.
Meckel syndrome, type 1 (MKS1). Also called: MECKEL-GRUBER SYNDROME, TYPE 1. Identifiers: Orphanet 564, MedGen C3714506, MONDO:0009571, OMIM 249000.
Meckel-Gruber syndrome. Also called: DYSENCEPHALIA SPLANCHNOCYSTICA; GRUBER SYNDROME; Dysencephalia splachnocystica. Identifiers: Orphanet 564, MedGen C0265215, MONDO:0018921.
Joubert syndrome. Also called: JOUBERT-BOLTSHAUSER SYNDROME; Familial aplasia of the vermis. Identifiers: Orphanet 475, MedGen C5979921, MONDO:0018772.
Bardet-Biedl syndrome 13 (BBS13). Identifiers: Orphanet 110, MedGen C2673873, MONDO:0014441, OMIM 615990.

Allele frequency attached by ClinVar (database versions not stated): TOPMed 0.00009; 1000 Genomes Project 0.00060; 1000 Genomes Project 30x 0.00062; gnomAD 0.00006.
gnomAD v4.1: 67 of 1,613,832 alleles (0.0042%); highest among the groups gnomAD compares: East Asian, 0.12%; no homozygotes.

Submissions (6):

Labcorp Genetics (formerly Invitae), Labcorp
Classification: Likely benign for Joubert syndrome; Meckel-Gruber syndrome. Last evaluated: 2025-05-27. Review status: criteria provided, single submitter. Criteria: Invitae Variant Classification Sherloc (09022015). Collection method: clinical testing. Allele origin: germline.

Blueprint Genetics
Classification: Likely benign. Last evaluated: 2024-08-22. Review status: criteria provided, single submitter. Criteria: ACMG Guidelines, 2015. Collection method: clinical testing. Allele origin: germline.

Illumina Laboratory Services, Illumina
Classification: Uncertain significance for Bardet-Biedl syndrome 13. Last evaluated: 2018-01-12. Review status: criteria provided, single submitter. Criteria: ICSL Variant Classification Criteria 13 December 2019. Collection method: clinical testing. Allele origin: germline.

Illumina Laboratory Services, Illumina
Classification: Uncertain significance for Meckel syndrome, type 1. Last evaluated: 2018-01-12. Review status: criteria provided, single submitter. Criteria: ICSL Variant Classification Criteria 13 December 2019. Collection method: clinical testing. Allele origin: germline.

PreventionGenetics, part of Exact Sciences
Classification: Likely benign for MKS1-related condition. Last evaluated: 2022-07-20. Review status: no assertion criteria provided. Collection method: clinical testing. Allele origin: germline. Not counted in ClinVar's aggregate classification.
Comment: This variant is classified as likely benign based on ACMG/AMP sequence variant interpretation guidelines (Richards et al. 2015 PMID: 25741868, with internal and published modifications).

Natera, Inc.
Classification: Uncertain significance for Meckel syndrome type 1. Last evaluated: 2020-01-24. Review status: no assertion criteria provided. Collection method: clinical testing. Allele origin: germline. Not counted in ClinVar's aggregate classification.

NM_017777.4(MKS1):c.729G>A (p.Thr243=)

Gene: MKS1 (MKS transition zone complex subunit 1; minus strand). Cytogenetic location: 17q22.
Variant type: single nucleotide variant.
Coding change: c.729G>A on transcript NM_017777.4 (MANE Select); coding-DNA position 729, G replaced by A.
Protein change: p.Thr243=; no amino-acid change (threonine 243 retained).
Molecular consequence: synonymous variant.
Genome position (GRCh38, 1-based): chr17:58,213,785, C>T on the plus strand (G>A on the coding strand, the complement: MKS1 is on the minus strand). VCF-style: chr17-58213785-C-T. GRCh37 (hg19) VCF-style: chr17-56291146-C-T.
Other names: c.120G>A, p.Thr40= (NM_001321268.2); c.729G>A, p.Thr243= (NM_001321269.2, NM_001330397.2).
Identifiers: ClinVar variation 700059 (VCV000700059.19), dbSNP rs373491923, ClinGen allele CA8669436.
Genomic context (GRCh38, chr17:58,213,785, plus strand): 5'-GGAATGCCAGTCTCCACTACCCCTTTCTTCCTCTCCTCACCTGTAGGGTCCTTTGAGGCC[C>T]GTGAAGTCAGGCTTTACTGTGATCACACCATTGCTATCCACCTTCAGAGTACACAGGACA-3'
Protein context (NP_060247.2, residues 233-253): NGVITVKPDF[Thr243=]GLKGPYRIET